The following is an entry in ClinVar:

NM_007194.4(CHEK2):c.363_364del (p.Cys121_Glu122delinsTer)

Gene: CHEK2 (checkpoint kinase 2; minus strand). Cytogenetic location: 22q12.1.
Variant type: Microsatellite.
Coding change: c.363_364del on transcript NM_007194.4 (MANE Select); coding-DNA positions 363 to 364, 2 bases deleted (TG; older notation c.363_364delTG).
Protein change: p.Cys121_Glu122delinsTer.
Molecular consequence: nonsense. On other transcripts: frameshift variant (3).
Genome position (GRCh38, 1-based): chr22:28,725,323-28,725,324, CA deleted on the plus strand (TG on the coding strand, the reverse complement: CHEK2 is on the minus strand); deleting any 2 consecutive bases within chr22:28,725,323-28,725,326 gives the same sequence; the c. name uses the placement nearest the transcript's 3' end. VCF-style (leftmost placement, unchanged base first): chr22-28725322-TCA-T. GRCh37 (hg19) VCF-style: chr22-29121310-TCA-T.
Other names: c.490_491TG[1], p.Cys164Terfs (NM_001005735.3); c.-417_-416TG[1] (NM_001257387.3); c.361_362TG[1], p.Cys121Terfs (NM_001349956.3, NM_145862.3).
Identifiers: ClinVar variation 487416 (VCV000487416.5), dbSNP rs1555927312, ClinGen allele CA658656838.

ClinVar aggregate classification (germline): Pathogenic. Review status: criteria provided, single submitter (1 of 4 stars). 2 submissions from 2 submitters: Pathogenic (1). 1 of the submissions does not count toward it. Last evaluated 2023-12-06.

Conditions:
Familial cancer of breast. Also called: hereditary breast carcinoma; BREAST CANCER, FAMILIAL; Hereditary breast cancer. Identifiers: Orphanet 227535, MedGen C0346153, MONDO:0016419, OMIM 114480. Disease mechanism: loss of function.

Submissions (2):

Myriad Genetics, Inc.
Classification: Pathogenic for Familial cancer of breast. Last evaluated: 2023-12-06. Review status: criteria provided, single submitter. Criteria: Myriad Autosomal Dominant, Autosomal Recessive and X-Linked Classification Criteria (2023). Collection method: clinical testing. Allele origin: unknown.
Comment: This variant is considered pathogenic. This variant creates a termination codon and is predicted to result in premature protein truncation.

Counsyl
Classification: Likely pathogenic for Familial cancer of breast. Last evaluated: 2017-01-03. Review status: no assertion criteria provided. Collection method: clinical testing. Allele origin: unknown. Not counted in ClinVar's aggregate classification.